The following is an entry in ClinVar:

NM_001292063.2(OTOG):c.4247G>A (p.Arg1416Gln)

Gene: OTOG (otogelin; plus strand). Cytogenetic location: 11p15.1.
Variant type: single nucleotide variant.
Coding change: c.4247G>A on transcript NM_001292063.2 (MANE Select); coding-DNA position 4247, G replaced by A.
Protein change: p.Arg1416Gln; replaces arginine 1416 with glutamine.
Molecular consequence: missense variant.
Genome position (GRCh38, 1-based): chr11:17,608,386, G>A. VCF-style: chr11-17608386-G-A. GRCh37 (hg19) VCF-style: chr11-17629933-G-A.
Other names: c.4283G>A, p.Arg1428Gln (NM_001277269.2); short protein forms R1428Q, R1416Q.
Identifiers: ClinVar variation 227780 (VCV000227780.6), dbSNP rs147318012, ClinGen allele CA5905828.

ClinVar aggregate classification (germline): Conflicting classifications of pathogenicity. Review status: criteria provided, conflicting classifications (1 of 4 stars). 2 submissions from 2 submitters: Uncertain significance (1); Likely benign (1). Last evaluated 2024-09-09.

Allele frequency attached by ClinVar (database versions not stated): gnomAD exomes 0.00010 and 0.00004; 1000 Genomes Project 30x 0.00047; 1000 Genomes Project 0.00060; gnomAD 0.00001 and 0.00005; TOPMed 0.00005; ExAC 0.00008.
gnomAD v4.1: 149 of 1,545,404 alleles (0.0096%); highest among the groups gnomAD compares: East Asian, 0.34%; 1 homozygote.

Submissions (2):

GeneDx
Classification: Uncertain significance. Last evaluated: 2024-09-09. Review status: criteria provided, single submitter. Criteria: GeneDx Variant Classification Process June 2021. Collection method: clinical testing. Allele origin: germline. Affected: yes.
Comment: In silico analysis indicates that this missense variant does not alter protein structure/function; Has not been previously published as pathogenic or benign to our knowledge

Laboratory for Molecular Medicine, Mass General Brigham Personalized Medicine
Classification: Likely benign. Last evaluated: 2015-04-17. Review status: criteria provided, single submitter. Criteria: LMM Criteria. Collection method: clinical testing. Allele origin: germline. Observed: 1 variant allele.
Comment: c.4283G>A (p.Arg1428Gln) in exon 33 of OTOG: This variant is not expected to ha ve clinical significance because it has been identified in 1.4% (3/208) of Japan ese chromosomes by the 1000 Genomes Project (dbSNP rs147318012), and due to a lack of conservation across species, including mammals. Of note, 22 mammals have a glutamine (Gln) at this position despite hig h nearby amino acid conservation.